The following is an entry in ClinVar:

ClinVar aggregate classification (germline): Uncertain significance (1 of 4 stars; one submission).

Conditions:
Hereditary cancer-predisposing syndrome. Also called: Neoplastic Syndromes, Hereditary; Hereditary Cancer Syndrome; Tumor predisposition; Hereditary neoplastic syndrome. Identifiers: Orphanet 140162, MedGen C0027672, MeSH D009386, MONDO:0015356.

Submission:

Ambry Genetics
Classification: Uncertain significance for Hereditary cancer-predisposing syndrome. Last evaluated: 2022-11-11. Review status: criteria provided, single submitter. Criteria: Ambry Variant Classification Scheme 2023. Collection method: clinical testing. Allele origin: germline.
Comment: The p.T637S variant (also known as c.1910C>G), located in coding exon 17 of the POLE gene, results from a C to G substitution at nucleotide position 1910. The threonine at codon 637 is replaced by serine, an amino acid with similar properties. This amino acid position is conserved. In addition, this alteration is predicted to be tolerated by in silico analysis. Since supporting evidence is limited at this time, the clinical significance of this alteration remains unclear.

NM_006231.4(POLE):c.1910C>G (p.Thr637Ser)

Gene: POLE (DNA polymerase epsilon, catalytic subunit; minus strand). Cytogenetic location: 12q24.33.
Variant type: single nucleotide variant.
Coding change: c.1910C>G on transcript NM_006231.4 (MANE Select); coding-DNA position 1910, C replaced by G.
Protein change: p.Thr637Ser; replaces threonine 637 with serine.
Molecular consequence: missense variant.
Genome position (GRCh38, 1-based): chr12:132,668,824, G>C on the plus strand (C>G on the coding strand, the complement: POLE is on the minus strand). VCF-style: chr12-132668824-G-C. GRCh37 (hg19) VCF-style: chr12-133245410-G-C.
Other names: short protein forms T637S.
Identifiers: ClinVar variation 2447913 (VCV002447913.2), dbSNP rs2542103820, ClinGen allele CA387355290.
Genomic context (GRCh38, chr12:132,668,824, plus strand): 5'-GCTGGGCAGAGAGAGCTCCGACTCTGACACGGGAAGTAAAGTCTCACCTGCAGGCGGTTG[G>C]TCAGGATGATGTTGGGGTACATGGCCCCCACGTCCAGGTGGTAGATGAGTGGACACTCGA-3'
Protein context (NP_006222.2, residues 627-647): VGAMYPNIIL[Thr637Ser]NRLQPSAMVD